The following is an entry in ClinVar:

NM_001017979.3(RAB28):c.190C>T (p.Leu64Phe)

Gene: RAB28 (RAB28, member RAS oncogene family; minus strand). Cytogenetic location: 4p15.33.
Variant type: single nucleotide variant.
Coding change: c.190C>T on transcript NM_001017979.3 (MANE Select); coding-DNA position 190, C replaced by T.
Protein change: p.Leu64Phe; replaces leucine 64 with phenylalanine.
Molecular consequence: missense variant.
Genome position (GRCh38, 1-based): chr4:13,474,389, G>A on the plus strand (C>T on the coding strand, the complement: RAB28 is on the minus strand). VCF-style: chr4-13474389-G-A. GRCh37 (hg19) VCF-style: chr4-13476013-G-A.
Other names: c.190C>T, p.Leu64Phe (NM_001159601.2, NM_004249.4); c.190C>T (NM_001017979.2); short protein forms L64F.
Identifiers: ClinVar variation 1348248 (VCV001348248.6), dbSNP rs944461205, ClinGen allele CA92469759.

ClinVar aggregate classification (germline): Uncertain significance. Review status: criteria provided, multiple submitters, no conflicts (2 of 4 stars). 2 submissions from 2 submitters: Uncertain significance (2). Last evaluated 2024-05-28.

Allele frequency attached by ClinVar (database versions not stated): gnomAD exomes below 0.00001; gnomAD 0.00002.
gnomAD v4.1: 9 of 1,583,688 alleles (0.00057%); highest among the groups gnomAD compares: Admixed American, 0.0069%; no homozygotes.

Submissions (2):

Ambry Genetics
Classification: Uncertain significance. Last evaluated: 2024-05-28. Review status: criteria provided, single submitter. Criteria: Ambry Variant Classification Scheme 2023. Collection method: clinical testing. Allele origin: germline.

Labcorp Genetics (formerly Invitae), Labcorp
Classification: Uncertain significance. Last evaluated: 2022-06-27. Review status: criteria provided, single submitter. Criteria: Invitae Variant Classification Sherloc (09022015). Collection method: clinical testing. Allele origin: germline.
Comment: This sequence change replaces leucine, which is neutral and non-polar, with phenylalanine, which is neutral and non-polar, at codon 64 of the RAB28 protein (p.Leu64Phe). This variant is not present in population databases (gnomAD no frequency). This variant has not been reported in the literature in individuals affected with RAB28-related conditions. Algorithms developed to predict the effect of missense changes on protein structure and function are either unavailable or do not agree on the potential impact of this missense change (SIFT: "Deleterious"; PolyPhen-2: "Probably Damaging"; Align-GVGD: "Class C0"). In summary, the available evidence is currently insufficient to determine the role of this variant in disease. Therefore, it has been classified as a Variant of Uncertain Significance.